The following is an entry in ClinVar:

NM_006306.4(SMC1A):c.3585C>G (p.Thr1195=)

Gene: SMC1A (structural maintenance of chromosomes 1A; minus strand). Cytogenetic location: Xp11.22.
Variant type: single nucleotide variant.
Coding change: c.3585C>G on transcript NM_006306.4 (MANE Select); coding-DNA position 3585, C replaced by G.
Protein change: p.Thr1195=; no amino-acid change (threonine 1195 retained).
Molecular consequence: synonymous variant.
Genome position (GRCh38, 1-based): chrX:53,380,653, G>C on the plus strand (C>G on the coding strand, the complement: SMC1A is on the minus strand). VCF-style: chrX-53380653-G-C. GRCh37 (hg19) VCF-style: chrX-53407574-G-C.
Other names: c.3519C>G, p.Thr1173= (NM_001281463.1).
Identifiers: ClinVar variation 3389210 (VCV003389210.14).

ClinVar aggregate classification (germline): Likely benign (1 of 4 stars; one submission).

gnomAD v4.1: 13 of 1,205,882 alleles (0.0011%); highest among the groups gnomAD compares: Non-Finnish European, 0.0013%; 1 homozygote.

Submission:

CeGaT Center for Human Genetics Tuebingen
Classification: Likely benign. Last evaluated: 2024-09-01. Review status: criteria provided, single submitter. Criteria: CeGaT Center For Human Genetics Tuebingen Variant Classification Criteria Version 2. Collection method: clinical testing. Allele origin: germline. Affected: yes. Observed: 1 variant allele.
Comment: SMC1A: BP4, BP7, BS2